The following is an entry in ClinVar:

ClinVar aggregate classification (germline): Pathogenic (1 of 4 stars; one submission).

Conditions:
Duchenne muscular dystrophy (DMD). Also called: Duchenne Muscular Dystrophy (DMD); MUSCULAR DYSTROPHY, PSEUDOHYPERTROPHIC PROGRESSIVE, DUCHENNE TYPE. Identifiers: Orphanet 98896, MedGen C0013264, MONDO:0010679, OMIM 310200.

Submission:

Labcorp Genetics (formerly Invitae), Labcorp
Classification: Pathogenic for Duchenne muscular dystrophy. Last evaluated: 2022-03-26. Review status: criteria provided, single submitter. Criteria: Invitae Variant Classification Sherloc (09022015). Collection method: clinical testing. Allele origin: germline.
Comment: For these reasons, this variant has been classified as Pathogenic. A similar copy number variant has been observed in individuals with Duchenne muscular dystrophy (PMID: 31705731). This variant is a gross deletion of the genomic region encompassing exon(s) 18-19 of the DMD gene. This deletion is out-of-frame, and is expected to create a premature termination codon and result in an absent or disrupted protein product. Loss-of-function variants in DMD are known to be pathogenic (PMID: 16770791, 25007885).

Literature cited by the submitters: PubMed 31705731; PubMed 16770791; PubMed 25007885.

NC_000023.10:g.(?_32519852)_(32536268_?)del

Gene: DMD (dystrophin; minus strand). Cytogenetic location: Xp21.1.
Variant type: Deletion.
Identifiers: ClinVar variation 2424898 (VCV002424898.5).